The following is an entry in ClinVar:

ClinVar aggregate classification (germline): Pathogenic (1 of 4 stars; one submission).

Allele frequency attached by ClinVar (database versions not stated): ExAC 0.00001.
gnomAD v4.1: 1 of 1,593,718 alleles (0.000063%); highest among the groups gnomAD compares: Non-Finnish European, 0.000086%; no homozygotes.

Submission:

Labcorp Genetics (formerly Invitae), Labcorp
Classification: Pathogenic. Last evaluated: 2023-06-27. Review status: criteria provided, single submitter. Criteria: Invitae Variant Classification Sherloc (09022015). Collection method: clinical testing. Allele origin: germline.
Comment: For these reasons, this variant has been classified as Pathogenic. This variant disrupts a region of the EIF2AK3 protein in which other variant(s) (p.Arg1065*) have been determined to be pathogenic (PMID: 19837917, 24168455, 24710710, 33452782). This suggests that this is a clinically significant region of the protein, and that variants that disrupt it are likely to be disease-causing. Variants that disrupt the consensus splice site are a relatively common cause of aberrant splicing (PMID: 17576681, 9536098). Algorithms developed to predict the effect of sequence changes on RNA splicing suggest that this variant may disrupt the consensus splice site. Disruption of this splice site has been observed in individuals with Wolcott-Rallison syndrome (PMID: 24168455, 34529350). It has also been observed to segregate with disease in related individuals. This variant is present in population databases (rs762125383, gnomAD 0.0009%). This sequence change affects a donor splice site in intron 16 of the EIF2AK3 gene. While this variant is not anticipated to result in nonsense mediated decay, it likely alters RNA splicing and results in a disrupted protein product.

Literature cited by the submitters: PubMed 19837917; PubMed 24168455; PubMed 24710710; PubMed 33452782; PubMed 17576681; PubMed 9536098; PubMed 34529350.

NM_004836.7(EIF2AK3):c.3150+1G>A

Genes: EIF2AK3 (eukaryotic translation initiation factor 2 alpha kinase 3; minus strand), EIF2AK3-AS1 (EIF2AK3 antisense RNA 1; plus strand). Cytogenetic location: 2p11.2.
Variant type: single nucleotide variant.
Coding change: c.3150+1G>A on transcript NM_004836.7 (MANE Select); the canonical splice donor site of the intron after coding-DNA position 3150, G replaced by A.
Molecular consequence: splice donor variant.
Genome position (GRCh38, 1-based): chr2:88,558,916, C>T on the plus strand (G>A on the coding strand, the complement: EIF2AK3 is on the minus strand). VCF-style: chr2-88558916-C-T. GRCh37 (hg19) VCF-style: chr2-88858434-C-T.
Other names: c.2697+1G>A (NM_001313915.2).
Identifiers: ClinVar variation 2729968 (VCV002729968.3), dbSNP rs762125383, ClinGen allele CA1754318.
Genomic context (GRCh38, chr2:88,558,916, plus strand): 5'-AAGGACCGCTTACGTTCTAAAGATGATTCTAAAGAAGATAAAAGATGAGAATTACACATA[C>T]CTCACAAGGATATTTCTGAGTAAATAATGGTGGAAATTTGAGATTTCTTACATCAGTTAA-3'